The following is an entry in ClinVar:

NM_001458.5(FLNC):c.8078A>T (p.Asn2693Ile)

Genes: FLNC (filamin C; plus strand), FLNC-AS1 (FLNC antisense RNA 1; minus strand). Cytogenetic location: 7q32.1.
Variant type: single nucleotide variant.
Coding change: c.8078A>T on transcript NM_001458.5 (MANE Select); coding-DNA position 8078, A replaced by T.
Protein change: p.Asn2693Ile; replaces asparagine 2693 with isoleucine.
Molecular consequence: missense variant.
Genome position (GRCh38, 1-based): chr7:128,858,423, A>T. VCF-style: chr7-128858423-A-T. GRCh37 (hg19) VCF-style: chr7-128498477-A-T.
Other names: c.7979A>T, p.Asn2660Ile (NM_001127487.2); short protein forms N2660I, N2693I.
Identifiers: ClinVar variation 2949729 (VCV002949729.4), dbSNP rs776903870, ClinGen allele CA369221629.
Genomic context (GRCh38, chr7:128,858,423, plus strand): 5'-ACGGCCCCAAGACCCCCTGTGAGGAGGTGTACGTGAAGCACATGGGGAACCGGGTGTACA[A>T]TGTCACCTACACTGTCAAGGAGAAAGGGGACTACATCCTCATTGTCAAGTGGGGTGACGA-3'
Protein context (NP_001449.3, residues 2683-2703): YVKHMGNRVY[Asn2693Ile]VTYTVKEKGD

ClinVar aggregate classification (germline): Uncertain significance. Review status: criteria provided, multiple submitters, no conflicts (2 of 4 stars). 2 submissions from 2 submitters: Uncertain significance (2). Last evaluated 2026-02-14.

Conditions:
Cardiovascular phenotype. Identifiers: MedGen CN230736.
Hypertrophic cardiomyopathy 26. Also called: Cardiomyopathy, familial hypertrophic, 26. Identifiers: Orphanet 75249, MedGen C4310749, MONDO:0014883, OMIM 617047.
Distal myopathy with posterior leg and anterior hand involvement. Also called: WILLIAMS DISTAL MYOPATHY. Identifiers: Orphanet 63273, MedGen C3279722, MONDO:0013550, OMIM 614065.
Myofibrillar myopathy 5. Also called: FILAMINOPATHY, AUTOSOMAL DOMINANT; Filaminopathy (type). Identifiers: Orphanet 171445, MedGen C1836050, MONDO:0012289, OMIM 609524.

Allele frequency attached by ClinVar (database versions not stated): gnomAD 0.00001.
gnomAD v4.1: 1 of 1,609,990 alleles (0.000062%); highest among the groups gnomAD compares: African/African-American, 0.0013%; no homozygotes.

Submissions (2):

Ambry Genetics
Classification: Uncertain significance for Cardiovascular phenotype. Last evaluated: 2026-02-14. Review status: criteria provided, single submitter. Criteria: Ambry Variant Classification Scheme 2023. Collection method: clinical testing. Allele origin: germline.
Comment: The p.N2693I variant (also known as c.8078A>T), located in coding exon 48 of the FLNC gene, results from an A to T substitution at nucleotide position 8078. The asparagine at codon 2693 is replaced by isoleucine, an amino acid with dissimilar properties. This amino acid position is conserved. In addition, the in silico prediction for this alteration is inconclusive. Based on the available evidence, the clinical significance of this variant remains unclear.

Labcorp Genetics (formerly Invitae), Labcorp
Classification: Uncertain significance for Distal myopathy with posterior leg and anterior hand involvement; Myofibrillar myopathy 5; Hypertrophic cardiomyopathy 26. Last evaluated: 2024-03-24. Review status: criteria provided, single submitter. Criteria: Invitae Variant Classification Sherloc (09022015). Collection method: clinical testing. Allele origin: germline.
Comment: This sequence change replaces asparagine, which is neutral and polar, with isoleucine, which is neutral and non-polar, at codon 2693 of the FLNC protein (p.Asn2693Ile). This variant is not present in population databases (gnomAD no frequency). This variant has not been reported in the literature in individuals affected with FLNC-related conditions. Advanced modeling of protein sequence and biophysical properties (such as structural, functional, and spatial information, amino acid conservation, physicochemical variation, residue mobility, and thermodynamic stability) performed at Invitae indicates that this missense variant is not expected to disrupt FLNC protein function with a negative predictive value of 95%. In summary, the available evidence is currently insufficient to determine the role of this variant in disease. Therefore, it has been classified as a Variant of Uncertain Significance.